The following is an entry in ClinVar:

NM_003718.5(CDK13):c.2200A>G (p.Lys734Glu)

Gene: CDK13 (cyclin dependent kinase 13; plus strand). Cytogenetic location: 7p14.1.
Variant type: single nucleotide variant.
Coding change: c.2200A>G on transcript NM_003718.5 (MANE Select); coding-DNA position 2200, A replaced by G.
Protein change: p.Lys734Glu; replaces lysine 734 with glutamic acid.
Molecular consequence: missense variant.
Genome position (GRCh38, 1-based): chr7:40,001,878, A>G. VCF-style: chr7-40001878-A-G. GRCh37 (hg19) VCF-style: chr7-40041477-A-G.
Other names: c.2200A>G, p.Lys734Glu (NM_031267.4); short protein forms K734E.
Identifiers: ClinVar variation 422362 (VCV000422362.5), dbSNP rs1064795731, ClinGen allele CA16618457.
Genomic context (GRCh38, chr7:40,001,878, plus strand): 5'-CTTTTGTTAACTGGTAACCTGATTTTATTAAATTCCTTAATAGGAGAAATGGTAGCCTTA[A>G]AAAAAGTACGTCTGGATAATGAAAAGGAAGGCTTTCCAATTACAGCAATTCGAGAAATTA-3'
Protein context (NP_003709.3, residues 724-744): DKDTGEMVAL[Lys734Glu]KVRLDNEKEG

ClinVar aggregate classification (germline): Pathogenic. Review status: criteria provided, single submitter (1 of 4 stars). 2 submissions from 2 submitters: Pathogenic (1). 1 of the submissions does not count toward it. Last evaluated 2025-02-24.

Conditions:
Congenital heart defects, dysmorphic facial features, and intellectual developmental disorder (CHDFIDD). Identifiers: Orphanet 646278, MedGen C4479246, MONDO:0044302, OMIM 617360.

Submissions (2):

GeneDx
Classification: Pathogenic. Last evaluated: 2025-02-24. Review status: criteria provided, single submitter. Criteria: GeneDx Variant Classification Process June 2021. Collection method: clinical testing. Allele origin: germline. Affected: yes.
Comment: Not observed at significant frequency in large population cohorts (gnomAD); In silico analysis supports that this missense variant has a deleterious effect on protein structure/function; This variant is associated with the following publications: (PMID: 28807008)

GeneReviews
No classification provided. Condition: Congenital heart defects, dysmorphic facial features, and intellectual developmental disorder. Review status: no classification provided. Collection method: literature only. Allele origin: germline. Not counted in ClinVar's aggregate classification.

Literature cited by the submitters: NCBI Bookshelf NBK536784 (cited by GeneReviews); PubMed 30702837 (cited by GeneReviews).